The following is an entry in ClinVar:

ClinVar aggregate classification (germline): Uncertain significance (1 of 4 stars; one submission).

Allele frequency attached by ClinVar (database versions not stated): gnomAD exomes 0.00002.
gnomAD v4.1: 24 of 1,213,336 alleles (0.002%); highest among the groups gnomAD compares: Non-Finnish European, 0.0025%; no homozygotes.

Submission:

Labcorp Genetics (formerly Invitae), Labcorp
Classification: Uncertain significance. Last evaluated: 2022-04-18. Review status: criteria provided, single submitter. Criteria: Invitae Variant Classification Sherloc (09022015). Collection method: clinical testing. Allele origin: germline.
Comment: This sequence change falls in intron 1 of the LRIT3 gene. It does not directly change the encoded amino acid sequence of the LRIT3 protein. It affects a nucleotide within the consensus splice site. This variant is not present in population databases (gnomAD no frequency). This variant has not been reported in the literature in individuals affected with LRIT3-related conditions. Variants that disrupt the consensus splice site are a relatively common cause of aberrant splicing (PMID: 17576681, 9536098). Algorithms developed to predict the effect of sequence changes on RNA splicing suggest that this variant is not likely to affect RNA splicing. In summary, the available evidence is currently insufficient to determine the role of this variant in disease. Therefore, it has been classified as a Variant of Uncertain Significance.

Literature cited by the submitters: PubMed 17576681; PubMed 9536098.

NM_198506.5(LRIT3):c.116+6C>T

Gene: LRIT3 (leucine rich repeat, Ig-like and transmembrane domains 3; plus strand). Cytogenetic location: 4q25.
Variant type: single nucleotide variant.
Coding change: c.116+6C>T on transcript NM_198506.5 (MANE Select); 6 bases into the intron after coding-DNA position 116, C replaced by T.
Molecular consequence: intron variant.
Genome position (GRCh38, 1-based): chr4:109,848,323, C>T. VCF-style: chr4-109848323-C-T. GRCh37 (hg19) VCF-style: chr4-110769479-C-T.
Identifiers: ClinVar variation 1949145 (VCV001949145.2), dbSNP rs1734123460, ClinGen allele CA2578168191.